The following is an entry in ClinVar:

NM_003052.5(SLC34A1):c.1817G>A (p.Arg606His)

Gene: SLC34A1 (solute carrier family 34 member 1; plus strand). Cytogenetic location: 5q35.3.
Variant type: single nucleotide variant.
Coding change: c.1817G>A on transcript NM_003052.5 (MANE Select); coding-DNA position 1817, G replaced by A.
Protein change: p.Arg606His; replaces arginine 606 with histidine.
Molecular consequence: missense variant.
Genome position (GRCh38, 1-based): chr5:177,398,183, G>A. VCF-style: chr5-177398183-G-A. GRCh37 (hg19) VCF-style: chr5-176825184-G-A.
Other names: c.1817G>A (NM_003052.4); short protein forms R606H.
Identifiers: ClinVar variation 2061609 (VCV002061609.3), dbSNP rs1211687117, ClinGen allele CA362317414.
Genomic context (GRCh38, chr5:177,398,183, plus strand): 5'-TGAAGCCCCTGGACCACCTCATCACCCGCGCCACCCTATGCTGTGCCAGGCCTGAGCCCC[G>A]CTCACCCCCGCTGCCCCCCAGGGTCTTCCTGGAGGAGCTACCCCCTGCCACACCCTCCCC-3'
Protein context (NP_003043.3, residues 596-616): ATLCCARPEP[Arg606His]SPPLPPRVFL

ClinVar aggregate classification (germline): Uncertain significance. Review status: criteria provided, multiple submitters, no conflicts (2 of 4 stars). 2 submissions from 2 submitters: Uncertain significance (2). Last evaluated 2025-08-09.

Conditions:
Inborn genetic diseases. Identifiers: MedGen C0950123, MeSH D030342.

Allele frequency attached by ClinVar (database versions not stated): TOPMed below 0.00001; gnomAD exomes 0.00001.
gnomAD v4.1: 14 of 1,610,932 alleles (0.00087%); highest among the groups gnomAD compares: Middle Eastern, 0.017%; no homozygotes.

Submissions (2):

Ambry Genetics
Classification: Uncertain significance for Inborn genetic diseases. Last evaluated: 2025-08-09. Review status: criteria provided, single submitter. Criteria: Ambry Variant Classification Scheme 2023. Collection method: clinical testing. Allele origin: germline.

Labcorp Genetics (formerly Invitae), Labcorp
Classification: Uncertain significance. Last evaluated: 2022-02-18. Review status: criteria provided, single submitter. Criteria: Invitae Variant Classification Sherloc (09022015). Collection method: clinical testing. Allele origin: germline.
Comment: This sequence change replaces arginine, which is basic and polar, with histidine, which is basic and polar, at codon 606 of the SLC34A1 protein (p.Arg606His). This variant is present in population databases (no rsID available, gnomAD 0.007%). This variant has not been reported in the literature in individuals affected with SLC34A1-related conditions. Algorithms developed to predict the effect of missense changes on protein structure and function are either unavailable or do not agree on the potential impact of this missense change (SIFT: "Deleterious"; PolyPhen-2: "Benign"; Align-GVGD: "Class C0"). In summary, the available evidence is currently insufficient to determine the role of this variant in disease. Therefore, it has been classified as a Variant of Uncertain Significance.